The following is an entry in ClinVar:

ClinVar aggregate classification (germline): Uncertain significance (1 of 4 stars; one submission).

Allele frequency attached by ClinVar (database versions not stated): gnomAD exomes 0.00001.
gnomAD v4.1: 9 of 1,613,936 alleles (0.00056%); highest among the groups gnomAD compares: South Asian, 0.0077%; no homozygotes.

Submission:

Labcorp Genetics (formerly Invitae), Labcorp
Classification: Uncertain significance. Last evaluated: 2022-01-06. Review status: criteria provided, single submitter. Criteria: Invitae Variant Classification Sherloc (09022015). Collection method: clinical testing. Allele origin: germline.
Comment: In summary, the available evidence is currently insufficient to determine the role of this variant in disease. Therefore, it has been classified as a Variant of Uncertain Significance. Algorithms developed to predict the effect of sequence changes on RNA splicing suggest that this variant may create or strengthen a splice site. Algorithms developed to predict the effect of missense changes on protein structure and function (SIFT, PolyPhen-2, Align-GVGD) all suggest that this variant is likely to be tolerated. This variant has not been reported in the literature in individuals affected with NLRP1-related conditions. This variant is present in population databases (no rsID available, gnomAD 0.006%). This sequence change replaces methionine, which is neutral and non-polar, with valine, which is neutral and non-polar, at codon 607 of the NLRP1 protein (p.Met607Val).

NM_033004.4(NLRP1):c.1819A>G (p.Met607Val)

Gene: NLRP1 (NLR family pyrin domain containing 1; minus strand). Cytogenetic location: 17p13.2.
Variant type: single nucleotide variant.
Coding change: c.1819A>G on transcript NM_033004.4 (MANE Select); coding-DNA position 1819, A replaced by G.
Protein change: p.Met607Val; replaces methionine 607 with valine.
Molecular consequence: missense variant.
Genome position (GRCh38, 1-based): chr17:5,558,877, T>C on the plus strand (A>G on the coding strand, the complement: NLRP1 is on the minus strand). VCF-style: chr17-5558877-T-C. GRCh37 (hg19) VCF-style: chr17-5462197-T-C.
Other names: c.1819A>G, p.Met607Val (NM_001033053.3, NM_014922.5, NM_033006.4 and 1 more transcripts); short protein forms M607V.
Identifiers: ClinVar variation 1497735 (VCV001497735.8), dbSNP rs1198037478, ClinGen allele CA397384436.